The following is an entry in ClinVar:

ClinVar aggregate classification (germline): Uncertain significance (1 of 4 stars; one submission).

Allele frequency attached by ClinVar (database versions not stated): gnomAD 0.00001; gnomAD exomes 0.00002; ExAC 0.00004.
gnomAD v4.1: 29 of 1,614,128 alleles (0.0018%); highest among the groups gnomAD compares: South Asian, 0.026%; no homozygotes.

Submission:

Labcorp Genetics (formerly Invitae), Labcorp
Classification: Uncertain significance. Last evaluated: 2022-05-07. Review status: criteria provided, single submitter. Criteria: Invitae Variant Classification Sherloc (09022015). Collection method: clinical testing. Allele origin: germline.
Comment: In summary, the available evidence is currently insufficient to determine the role of this variant in disease. Therefore, it has been classified as a Variant of Uncertain Significance. This sequence change replaces lysine, which is basic and polar, with glutamic acid, which is acidic and polar, at codon 152 of the TNFRSF9 protein (p.Lys152Glu). This variant is present in population databases (rs781254753, gnomAD 0.05%). This variant has not been reported in the literature in individuals affected with TNFRSF9-related conditions. Algorithms developed to predict the effect of missense changes on protein structure and function (SIFT, PolyPhen-2, Align-GVGD) all suggest that this variant is likely to be tolerated.

NM_001561.6(TNFRSF9):c.454A>G (p.Lys152Glu)

Gene: TNFRSF9 (TNF receptor superfamily member 9; minus strand). Cytogenetic location: 1p36.23.
Variant type: single nucleotide variant.
Coding change: c.454A>G on transcript NM_001561.6 (MANE Select); coding-DNA position 454, A replaced by G.
Protein change: p.Lys152Glu; replaces lysine 152 with glutamic acid.
Molecular consequence: missense variant.
Genome position (GRCh38, 1-based): chr1:7,935,103, T>C on the plus strand (A>G on the coding strand, the complement: TNFRSF9 is on the minus strand). VCF-style: chr1-7935103-T-C. GRCh37 (hg19) VCF-style: chr1-7995163-T-C.
Other names: short protein forms K152E.
Identifiers: ClinVar variation 1977938 (VCV001977938.5), dbSNP rs781254753, ClinGen allele CA569216.